The following is an entry in ClinVar:

NR_001566.3(TERC):n.234C>T

Genes: TERC (telomerase RNA component; minus strand), LOC110806306 (telomerase RNA component (TERC) promoter; plus strand). Cytogenetic location: 3q26.2.
Variant type: single nucleotide variant.
Genome position: GRCh38 VCF-style: chr3-169764827-G-A. GRCh37 (hg19) VCF-style: chr3-169482615-G-A.
Identifiers: ClinVar variation 954854 (VCV000954854.11), dbSNP rs1032106566, ClinGen allele CA87624033.
Genomic context (GRCh38, chr3:169,764,827, plus strand): 5'-GGCAGTGGGTGCCTCCGGAGAAGCCCCGGGCCGACCGCGGCCTCCAGGCGGGGTTCGGGG[G>A]CTGGGCAGGCGACCCGCCGCAGGTCCCCGGGAGGGGCGAACGGGCCAGCAGCTGACATTT-3'

ClinVar aggregate classification (germline): Uncertain significance. Review status: criteria provided, multiple submitters, no conflicts (2 of 4 stars). 2 submissions from 2 submitters: Uncertain significance (2). Last evaluated 2024-11-27.

Conditions:
Dyskeratosis congenita, autosomal dominant 1 (DKCA1). Also called: Dyskeratosis congenita Scoggins type. Identifiers: Orphanet 1775, MedGen C4551974, MONDO:0007485, OMIM 127550. Inheritance: Variable.
TERC-related disorder. Also called: TERC-related condition.

Allele frequency attached by ClinVar (database versions not stated): gnomAD exomes below 0.00001; TOPMed 0.00003; gnomAD 0.00004 and 0.00005.
gnomAD v4.1: 9 of 728,422 alleles (0.0012%); highest among the groups gnomAD compares: African/African-American, 0.01%; no homozygotes.

Submissions (2):

Labcorp Genetics (formerly Invitae), Labcorp
Classification: Uncertain significance for Dyskeratosis congenita, autosomal dominant 1. Last evaluated: 2024-11-27. Review status: criteria provided, single submitter. Criteria: Invitae Variant Classification Sherloc (09022015). Collection method: clinical testing. Allele origin: germline.
Comment: This variant occurs in the TERC gene, which encodes an RNA molecule that does not result in a protein product. This variant is present in population databases (no rsID available, gnomAD 0.01%). This variant has not been reported in the literature in individuals affected with TERC-related conditions. ClinVar contains an entry for this variant (Variation ID: 954854). This variant is located within the BoxH/ACA scaRNA domain of the TERC RNA component, which is required for telomerase activity (PMID: 21844345). In summary, the available evidence is currently insufficient to determine the role of this variant in disease. Therefore, it has been classified as a Variant of Uncertain Significance.

PreventionGenetics, part of Exact Sciences
Classification: Uncertain significance for TERC-related condition. Last evaluated: 2023-01-31. Review status: criteria provided, single submitter. Criteria: ACMG Guidelines, 2015. Collection method: clinical testing. Allele origin: germline.
Comment: The TERC n.234C>T is a noncoding alteration. To our knowledge, this variant has not been reported in the literature. This variant is reported in 0.011% of alleles in individuals of African descent in gnomAD. A different variant affecting the same nucleotide position (n.234C>G) was reported in one individual with pulmonary fibrosis (Table S1, Maryoung. 2017. PubMed ID: 28192371). At this time, the clinical significance of this variant is uncertain due to the absence of conclusive functional and genetic evidence.

Literature cited by the submitters: PubMed 21844345 (cited by Labcorp Genetics (formerly Invitae), Labcorp).